The following is an entry in ClinVar:

NM_015466.4(PTPN23):c.2746C>A (p.Gln916Lys)

Gene: PTPN23 (protein tyrosine phosphatase non-receptor type 23; plus strand). Cytogenetic location: 3p21.31.
Variant type: single nucleotide variant.
Coding change: c.2746C>A on transcript NM_015466.4 (MANE Select); coding-DNA position 2746, C replaced by A.
Protein change: p.Gln916Lys; replaces glutamine 916 with lysine.
Molecular consequence: missense variant.
Genome position (GRCh38, 1-based): chr3:47,410,544, C>A. VCF-style: chr3-47410544-C-A. GRCh37 (hg19) VCF-style: chr3-47452034-C-A.
Other names: c.2368C>A, p.Gln790Lys (NM_001304482.2); short protein forms Q790K, Q916K.
Identifiers: ClinVar variation 2010995 (VCV002010995.4), dbSNP rs2546251034, ClinGen allele CA352559788.

ClinVar aggregate classification (germline): Uncertain significance (1 of 4 stars; one submission).

Submission:

Labcorp Genetics (formerly Invitae), Labcorp
Classification: Uncertain significance. Last evaluated: 2022-06-26. Review status: criteria provided, single submitter. Criteria: Invitae Variant Classification Sherloc (09022015). Collection method: clinical testing. Allele origin: germline.
Comment: This sequence change replaces glutamine, which is neutral and polar, with lysine, which is basic and polar, at codon 916 of the PTPN23 protein (p.Gln916Lys). This variant is not present in population databases (gnomAD no frequency). This variant has not been reported in the literature in individuals affected with PTPN23-related conditions. Algorithms developed to predict the effect of missense changes on protein structure and function are either unavailable or do not agree on the potential impact of this missense change (SIFT: "Tolerated"; PolyPhen-2: "Not Available"; Align-GVGD: "Class C0"). In summary, the available evidence is currently insufficient to determine the role of this variant in disease. Therefore, it has been classified as a Variant of Uncertain Significance.